The following is an entry in ClinVar:

NM_001122769.3(LCA5):c.306A>G (p.Lys102=)

Gene: LCA5 (lebercilin LCA5; minus strand). Cytogenetic location: 6q14.1.
Variant type: single nucleotide variant.
Coding change: c.306A>G on transcript NM_001122769.3 (MANE Select); coding-DNA position 306, A replaced by G.
Protein change: p.Lys102=; no amino-acid change (lysine 102 retained).
Molecular consequence: synonymous variant.
Genome position (GRCh38, 1-based): chr6:79,513,626, T>C on the plus strand (A>G on the coding strand, the complement: LCA5 is on the minus strand). VCF-style: chr6-79513626-T-C. GRCh37 (hg19) VCF-style: chr6-80223343-T-C.
Other names: c.306A>G, p.Lys102= (NM_181714.4).
Identifiers: ClinVar variation 1951385 (VCV001951385.2), dbSNP rs2533440019, ClinGen allele CA451002431.
Genomic context (GRCh38, chr6:79,513,626, plus strand): 5'-GAGTTCAGATACTTCATTCTGCAACTCATTGATTTTTAGCAGTCTTGCAGACAGAATCCG[T>C]TTTGTAACAAGATCAGTATCTTTCCGAAGTGGCTCTCTATTGAGGCTCTGGGAGCGAAAT-3'
Protein context (NP_001116241.1, residues 92-112): PLRKDTDLVT[Lys102=]RILSARLLKI

ClinVar aggregate classification (germline): Uncertain significance (1 of 4 stars; one submission).

Allele frequency attached by ClinVar (database versions not stated): gnomAD exomes below 0.00001.
gnomAD v4.1: 3 of 1,613,908 alleles (0.00019%); highest among the groups gnomAD compares: Admixed American, 0.0017%; no homozygotes.

Submission:

Labcorp Genetics (formerly Invitae), Labcorp
Classification: Uncertain significance. Last evaluated: 2022-03-29. Review status: criteria provided, single submitter. Criteria: Invitae Variant Classification Sherloc (09022015). Collection method: clinical testing. Allele origin: germline.
Comment: This sequence change affects codon 102 of the LCA5 mRNA. It is a 'silent' change, meaning that it does not change the encoded amino acid sequence of the LCA5 protein. This variant is not present in population databases (gnomAD no frequency). This variant has not been reported in the literature in individuals affected with LCA5-related conditions. Algorithms developed to predict the effect of sequence changes on RNA splicing suggest that this variant is not likely to affect RNA splicing. In summary, the available evidence is currently insufficient to determine the role of this variant in disease. Therefore, it has been classified as a Variant of Uncertain Significance.